The following is an entry in ClinVar:

ClinVar aggregate classification (germline): Pathogenic/Likely pathogenic. Review status: criteria provided, multiple submitters, no conflicts (2 of 4 stars). 5 submissions from 5 submitters: Pathogenic (2); Likely pathogenic (2). 1 of the submissions does not count toward it. Last evaluated 2025-03-04.

Conditions:
Pendred syndrome (PDS). Also called: HYPOTHYROIDISM, CONGENITAL, DUE TO DYSHORMONOGENESIS, 2B; Pendred's syndrome; THYROID DYSHORMONOGENESIS 2B; THYROID HORMONOGENESIS, GENETIC DEFECT IN, 2B; Pendred Syndrome (PDS); DEAFNESS WITH GOITER. Identifiers: Orphanet 705, MedGen C0271829, MONDO:0010134, OMIM 274600.
Autosomal recessive nonsyndromic hearing loss 4 (DFNB4). Also called: DEAFNESS, AUTOSOMAL RECESSIVE 4, WITH ENLARGED VESTIBULAR AQUEDUCT, DIGENIC; Deafness, autosomal recessive 4; Enlarged vestibular aqueduct, digenic; FOXI1-Related Pendred Syndrome; KCNJ10-Related Pendred Syndrome; Deafness, autosomal recessive 4, with enlarged vestibular aqueduct. Identifiers: Orphanet 90636, MedGen C3538946, MONDO:0010933, OMIM 600791.

Allele frequency attached by ClinVar (database versions not stated): TOPMed below 0.00001.

Submissions (5):

Center for Genomic Medicine, Rigshospitalet, Copenhagen University Hospital
Classification: Likely pathogenic. Last evaluated: 2025-03-04. Review status: criteria provided, single submitter. Criteria: ACMG Guidelines, 2015. Collection method: clinical testing. Allele origin: germline.

Fulgent Genetics
Classification: Likely pathogenic for Pendred syndrome; Autosomal recessive nonsyndromic hearing loss 4. Last evaluated: 2024-06-12. Review status: criteria provided, single submitter. Criteria: ACMG Guidelines, 2015. Collection method: clinical testing. Allele origin: germline.

Baylor Genetics
Classification: Pathogenic for Autosomal recessive nonsyndromic hearing loss 4. Last evaluated: 2022-08-09. Review status: criteria provided, single submitter. Criteria: ACMG Guidelines, 2015. Collection method: clinical testing. Allele origin: unknown.

Labcorp Genetics (formerly Invitae), Labcorp
Classification: Pathogenic. Last evaluated: 2021-06-18. Review status: criteria provided, single submitter. Criteria: Invitae Variant Classification Sherloc (09022015). Collection method: clinical testing. Allele origin: germline.
Comment: For these reasons, this variant has been classified as Pathogenic. Algorithms developed to predict the effect of sequence changes on RNA splicing suggest that this variant may disrupt the consensus splice site, but this prediction has not been confirmed by published transcriptional studies. This variant has been observed in individual(s) with Pendred syndrome (PMID: 23838540). In at least one individual the data is consistent with the variant being in trans (on the opposite chromosome) from a pathogenic variant. This variant is also known as IVS10+1G>A. ClinVar contains an entry for this variant (Variation ID: 371209). This variant is not present in population databases (ExAC no frequency). This sequence change affects a donor splice site in intron 10 of the SLC26A4 gene. It is expected to disrupt RNA splicing. Variants that disrupt the donor or acceptor splice site typically lead to a loss of protein function (PMID: 16199547), and loss-of-function variants in SLC26A4 are known to be pathogenic (PMID: 16283880, 25394566, 26252218, 26445815).

Counsyl
Classification: Likely pathogenic for Pendred syndrome. Last evaluated: 2016-07-27. Review status: no assertion criteria provided. Collection method: clinical testing. Allele origin: unknown. Not counted in ClinVar's aggregate classification.

Literature cited by the submitters: PubMed 23838540 (cited by 3 submitters); PubMed 16199547 (cited by Labcorp Genetics (formerly Invitae), Labcorp); PubMed 16283880 (cited by Labcorp Genetics (formerly Invitae), Labcorp); PubMed 25394566 (cited by Labcorp Genetics (formerly Invitae), Labcorp); PubMed 26252218 (cited by Labcorp Genetics (formerly Invitae), Labcorp); PubMed 26445815 (cited by Labcorp Genetics (formerly Invitae), Labcorp).

NM_000441.2(SLC26A4):c.1263+1G>A

Gene: SLC26A4 (solute carrier family 26 member 4; plus strand). Cytogenetic location: 7q22.3.
Variant type: single nucleotide variant.
Coding change: c.1263+1G>A on transcript NM_000441.2 (MANE Select); the canonical splice donor site of the intron after coding-DNA position 1263, G replaced by A.
Molecular consequence: splice donor variant.
Genome position (GRCh38, 1-based): chr7:107,690,238, G>A. VCF-style: chr7-107690238-G-A. GRCh37 (hg19) VCF-style: chr7-107330683-G-A.
Identifiers: ClinVar variation 371209 (VCV000371209.15), dbSNP rs1057517000, ClinGen allele CA16041109.